The following is an entry in ClinVar:

NM_000751.3(CHRND):c.725T>C (p.Ile242Thr)

Gene: CHRND (cholinergic receptor nicotinic delta subunit; plus strand). Cytogenetic location: 2q37.1.
Variant type: single nucleotide variant.
Coding change: c.725T>C on transcript NM_000751.3 (MANE Select); coding-DNA position 725, T replaced by C.
Protein change: p.Ile242Thr; replaces isoleucine 242 with threonine.
Molecular consequence: missense variant. On other transcripts: intron variant (1).
Genome position (GRCh38, 1-based): chr2:232,530,044, T>C. VCF-style: chr2-232530044-T-C. GRCh37 (hg19) VCF-style: chr2-233394754-T-C.
Other names: c.680T>C, p.Ile227Thr (NM_001256657.2); c.422T>C, p.Ile141Thr (NM_001311196.2); c.239-1308T>C (NM_001311195.2); short protein forms I141T, I242T, I227T.
Identifiers: ClinVar variation 2809855 (VCV002809855.3), dbSNP rs2469723620, ClinGen allele CA351000881.
Genomic context (GRCh38, chr2:232,530,044, plus strand): 5'-TGGACCCCAGAGCCCCTCTGGACAGCCCCAGCCGCCAGGACATCACCTTCTACCTCATCA[T>C]CCGCCGCAAGCCCCTCTTCTACATCATCAACATCCTGGTGCCCTGCGTGCTCATCTCCTT-3'
Protein context (NP_000742.1, residues 232-252): SRQDITFYLI[Ile242Thr]RRKPLFYIIN

ClinVar aggregate classification (germline): Uncertain significance (1 of 4 stars; one submission).

Conditions:
Lethal multiple pterygium syndrome (LMPS). Identifiers: Orphanet 33108, MedGen C1854678, MONDO:0009668, OMIM 253290.

Allele frequency attached by ClinVar (database versions not stated): gnomAD exomes below 0.00001.

Submission:

Labcorp Genetics (formerly Invitae), Labcorp
Classification: Uncertain significance for Lethal multiple pterygium syndrome. Last evaluated: 2022-10-26. Review status: criteria provided, single submitter. Criteria: Invitae Variant Classification Sherloc (09022015). Collection method: clinical testing. Allele origin: germline.
Comment: This sequence change replaces isoleucine, which is neutral and non-polar, with threonine, which is neutral and polar, at codon 242 of the CHRND protein (p.Ile242Thr). This variant is not present in population databases (gnomAD no frequency). This variant has not been reported in the literature in individuals affected with CHRND-related conditions. Advanced modeling of protein sequence and biophysical properties (such as structural, functional, and spatial information, amino acid conservation, physicochemical variation, residue mobility, and thermodynamic stability) performed at Invitae indicates that this missense variant is expected to disrupt CHRND protein function. In summary, the available evidence is currently insufficient to determine the role of this variant in disease. Therefore, it has been classified as a Variant of Uncertain Significance.